The following is an entry in ClinVar:

NM_006204.4(PDE6C):c.1270-9_1270-7delinsTTG

Gene: PDE6C (phosphodiesterase 6C; plus strand). Cytogenetic location: 10q23.33.
Variant type: Indel.
Coding change: c.1270-9_1270-7delinsTTG on transcript NM_006204.4 (MANE Select); 9 bases into the intron before coding-DNA position 1270 through 7 bases into the intron before coding-DNA position 1270, CCA replaced by TTG.
Molecular consequence: intron variant.
Genome position (GRCh38, 1-based): chr10:93,635,488-93,635,490, CCA replaced by TTG. VCF-style: chr10-93635488-CCA-TTG. GRCh37 (hg19) VCF-style: chr10-95395245-CCA-TTG.
Identifiers: ClinVar variation 1952001 (VCV001952001.2), dbSNP rs2492526143, ClinGen allele CA2580082477.

ClinVar aggregate classification (germline): Uncertain significance (1 of 4 stars; one submission).

Submission:

Labcorp Genetics (formerly Invitae), Labcorp
Classification: Uncertain significance. Last evaluated: 2022-04-25. Review status: criteria provided, single submitter. Criteria: Invitae Variant Classification Sherloc (09022015). Collection method: clinical testing. Allele origin: germline.
Comment: This sequence change falls in intron 9 of the PDE6C gene. It does not directly change the encoded amino acid sequence of the PDE6C protein. Information on the frequency of this variant in the gnomAD database is not available, as this variant may be reported differently in the database. This variant has not been reported in the literature in individuals affected with PDE6C-related conditions. Experimental studies and prediction algorithms are not available or were not evaluated, and the effect of this variant on mRNA splicing is currently unknown. In summary, the available evidence is currently insufficient to determine the role of this variant in disease. Therefore, it has been classified as a Variant of Uncertain Significance.